The following is an entry in ClinVar:

NM_002024.6(FMR1):c.1509A>G (p.Glu503=)

Gene: FMR1 (fragile X messenger ribonucleoprotein 1; plus strand). Cytogenetic location: Xq27.3.
Variant type: single nucleotide variant.
Coding change: c.1509A>G on transcript NM_002024.6 (MANE Select); coding-DNA position 1509, A replaced by G.
Protein change: p.Glu503=; no amino-acid change (glutamic acid 503 retained).
Molecular consequence: synonymous variant. On other transcripts: non-coding transcript variant (2), intron variant (3).
Genome position (GRCh38, 1-based): chrX:147,944,906, A>G. VCF-style: chrX-147944906-A-G. GRCh37 (hg19) VCF-style: chrX-147026426-A-G.
Other names: p.Glu503=; c.1446A>G, p.Glu482= (NM_001185076.2); c.1276-38A>G (NM_001185075.2); c.1409-38A>G (NM_001185082.2); c.1213-38A>G (NM_001185081.2).
Identifiers: ClinVar variation 4684536 (VCV004684536.1).

ClinVar aggregate classification (germline): Likely benign (1 of 4 stars; one submission).

gnomAD v4.1: 28 of 1,206,305 alleles (0.0023%); highest among the groups gnomAD compares: Non-Finnish European, 0.0031%; no homozygotes.

Submission:

Mayo Clinic Laboratories, Mayo Clinic
Classification: Likely benign. Last evaluated: 2025-07-15. Review status: criteria provided, single submitter. Criteria: ACMG Guidelines, 2015. Collection method: clinical testing. Allele origin: germline. Observed: 1 variant allele.
Comment: BP4, BP7